The following is an entry in ClinVar:

ClinVar aggregate classification (germline): Uncertain significance. Review status: criteria provided, multiple submitters, no conflicts (2 of 4 stars). 2 submissions from 2 submitters: Uncertain significance (2). Last evaluated 2024-11-05.

Allele frequency attached by ClinVar (database versions not stated): ExAC 0.00009; 1000 Genomes Project 30x 0.00031.
gnomAD v4.1: 38 of 700,390 alleles (0.0054%); highest among the groups gnomAD compares: Non-Finnish European, 0.0081%; no homozygotes.

Submissions (2):

Labcorp Genetics (formerly Invitae), Labcorp
Classification: Uncertain significance. Last evaluated: 2024-11-05. Review status: criteria provided, single submitter. Criteria: Invitae Variant Classification Sherloc (09022015). Collection method: clinical testing. Allele origin: germline.
Comment: This variant occurs in the RNU4ATAC gene, which encodes an RNA molecule that does not result in a protein product. This variant is present in population databases (rs757387857, gnomAD 0.009%). This variant has not been reported in the literature in individuals affected with RNU4ATAC-related conditions. ClinVar contains an entry for this variant (Variation ID: 1413951). Experimental studies and prediction algorithms are not available or were not evaluated, and the functional significance of this variant is currently unknown. In summary, the available evidence is currently insufficient to determine the role of this variant in disease. Therefore, it has been classified as a Variant of Uncertain Significance.

Blueprint Genetics
Classification: Uncertain significance. Last evaluated: 2024-07-15. Review status: criteria provided, single submitter. Criteria: ACMG Guidelines, 2015. Collection method: clinical testing. Allele origin: germline.

NC_000002.12:g.121530961C>T

Genes: CLASP1 (cytoplasmic linker associated protein 1; minus strand), CLASP1-AS1 (CLASP1 antisense RNA 1; plus strand), RNU4ATAC (RNA, U4atac small nuclear; plus strand). Cytogenetic location: 2q14.2.
Variant type: single nucleotide variant.
Molecular consequence: intron variant (on NM_001395891.1).
Genome position: GRCh38 VCF-style: chr2-121530961-C-T. GRCh37 (hg19) VCF-style: chr2-122288537-C-T.
Other names: c.196-636G>A (NM_001142274.2, NM_015282.3, NM_001378003.1 and 5 more transcripts).
Identifiers: ClinVar variation 1413951 (VCV001413951.5), dbSNP rs757387857, ClinGen allele CA1854724.